The following is an entry in ClinVar:

NM_001384125.1(BLTP1):c.4504T>A (p.Cys1502Ser)

Gene: BLTP1 (bridge-like lipid transfer protein family member 1; plus strand). Cytogenetic location: 4q27.
Variant type: single nucleotide variant.
Coding change: c.4504T>A on transcript NM_001384125.1 (MANE Select); coding-DNA position 4504, T replaced by A.
Protein change: p.Cys1502Ser; replaces cysteine 1502 with serine.
Molecular consequence: missense variant.
Genome position (GRCh38, 1-based): chr4:122,240,186, T>A. VCF-style: chr4-122240186-T-A. GRCh37 (hg19) VCF-style: chr4-123161341-T-A.
Other names: c.4504T>A, p.Cys1502Ser (NM_015312.4); short protein forms C1502S.
Identifiers: ClinVar variation 3376185 (VCV003376185.1).

ClinVar aggregate classification (germline): Uncertain significance (1 of 4 stars; one submission).

Conditions:
Alkuraya-Kucinskas syndrome. Identifiers: Orphanet 610569, MedGen C4693347, MONDO:0060631, OMIM 617822.

Submission:

Pittsburgh Clinical Genomics Laboratory, University of Pittsburgh Medical Center
Classification: Uncertain significance for Alkuraya-Kucinskas syndrome. Last evaluated: 2023-02-15. Review status: criteria provided, single submitter. Criteria: ACMG Guidelines, 2015. Collection method: clinical testing. Allele origin: germline. Inheritance: Autosomal recessive inheritance. Affected: yes.
Comment: This sequence variant is a single nucleotide substitution (T>A) at coding position 4504 of the BLTP1 gene which results in a cysteine to serine amino acid change at residue 1502 in the BLTP1 protein. This novel variant has not been reported previously in individuals with BLTP1-related disease, to our knowledge. This variant is absent from the gnomAD control population database (0/~249400 alleles). Bioinformatic tools are inconclusive if this amino acid change is likely to be damaging or tolerated, and cysteine is highly conserved at this protein position in vertebrates. Functiol studies assessing the effect of this variant on protein structure or activity have not been performed, to our knowledge. At this time, there is insufficient evidence to determine if this variant is pathogenic or benign. Therefore, we consider it to be a variant of uncertain significance. ACMG Criteria: PM2